The following is an entry in ClinVar:

ClinVar aggregate classification (germline): Conflicting classifications of pathogenicity. Review status: criteria provided, conflicting classifications (1 of 4 stars). 2 submissions from 2 submitters: Uncertain significance (1); Likely benign (1). Last evaluated 2024-05-15.

Conditions:
RASopathy. Also called: Noonan spectrum disorder; rasopathies. Identifiers: Orphanet 536391, MedGen C5555857, MONDO:0021060.

Submissions (2):

Blueprint Genetics
Classification: Likely benign. Last evaluated: 2024-05-15. Review status: criteria provided, single submitter. Criteria: ACMG Guidelines, 2015. Collection method: clinical testing. Allele origin: germline.

Labcorp Genetics (formerly Invitae), Labcorp
Classification: Uncertain significance for RASopathy. Last evaluated: 2022-10-01. Review status: criteria provided, single submitter. Criteria: Invitae Variant Classification Sherloc (09022015). Collection method: clinical testing. Allele origin: germline.
Comment: Algorithms developed to predict the effect of sequence changes on RNA splicing suggest that this variant may create or strengthen a splice site. In summary, the available evidence is currently insufficient to determine the role of this variant in disease. Therefore, it has been classified as a Variant of Uncertain Significance. This variant has not been reported in the literature in individuals affected with MAP2K1-related conditions. This variant is not present in population databases (gnomAD no frequency). This sequence change falls in intron 7 of the MAP2K1 gene. It does not directly change the encoded amino acid sequence of the MAP2K1 protein.

NM_002755.4(MAP2K1):c.895+15G>A

Gene: MAP2K1 (mitogen-activated protein kinase kinase 1; plus strand). Cytogenetic location: 15q22.31.
Variant type: single nucleotide variant.
Coding change: c.895+15G>A on transcript NM_002755.4 (MANE Select); 15 bases into the intron after coding-DNA position 895, G replaced by A.
Molecular consequence: intron variant.
Genome position (GRCh38, 1-based): chr15:66,485,206, G>A. VCF-style: chr15-66485206-G-A. GRCh37 (hg19) VCF-style: chr15-66777544-G-A.
Identifiers: ClinVar variation 1918555 (VCV001918555.6), dbSNP rs2545101811, ClinGen allele CA2580089872.